The following is an entry in ClinVar:

ClinVar aggregate classification (germline): Uncertain significance (1 of 4 stars; one submission).

Conditions:
Neurodevelopmental disorder. Identifiers: MedGen C1535926, MeSH D065886, MONDO:0700092.

Submission:

Broad Center for Mendelian Genomics, Broad Institute of MIT and Harvard
Classification: Uncertain significance for Neurodevelopmental disorder. Last evaluated: 2026-03-02. Review status: criteria provided, single submitter. Criteria: ACMG Guidelines, 2015. Collection method: research. Allele origin: germline. Inheritance: Autosomal dominant inheritance.
Comment: Trio exome analysis showed this variant to be de novo. The p.Glu139del variant in CCDC6 has not been previously reported in the literature in individuals with neurodevelopmental disorders, and was absent from large population studies. This variant is a deletion of 1 amino acid at position 139 and is not predicted to alter the protein reading-frame. It is unclear if this deletion will impact the protein. While variants in the CCDC6 gene have been reported in individuals with neurodevelopmental disorders, this association has not been definitively established. In summary, given the limited information about this gene-disease relationship, the significance of the p.Glu139del variant is uncertain.

NM_005436.5(CCDC6):c.409GAA[2] (p.Glu139del)

Gene: CCDC6 (coiled-coil domain containing 6; minus strand). Cytogenetic location: 10q21.2.
Variant type: Microsatellite.
Coding change: c.409GAA[2] on transcript NM_005436.5 (MANE Select); two copies in a row of the 3-base unit GAA starting at c.409; the reference has three copies in a row; one copy, 3 bases deleted.
Protein change: p.Glu139del; deletes glutamic acid 139.
Molecular consequence: inframe deletion.
Genome position (GRCh38, 1-based): chr10:59,852,589-59,852,591, TTC deleted on the plus strand (GAA on the coding strand, the reverse complement: CCDC6 is on the minus strand); deleting any 3 consecutive bases within chr10:59,852,589-59,852,599 gives the same sequence; the position shown is the placement nearest the transcript's 3' end. VCF-style (leftmost placement, unchanged base first): chr10-59852588-ATTC-A. GRCh37 (hg19) VCF-style: chr10-61612346-ATTC-A.
Other names: short protein forms E139del.
Identifiers: ClinVar variation 4819471 (VCV004819471.1).